The following is an entry in ClinVar:

ClinVar aggregate classification (germline): Uncertain significance (1 of 4 stars; one submission).

Conditions:
Cardiovascular phenotype. Identifiers: MedGen CN230736.

Submission:

Ambry Genetics
Classification: Uncertain significance for Cardiovascular phenotype. Last evaluated: 2022-03-21. Review status: criteria provided, single submitter. Criteria: Ambry Variant Classification Scheme 2023. Collection method: clinical testing. Allele origin: germline.
Comment: The p.H218L variant (also known as c.653A>T), located in coding exon 4 of the TBX20 gene, results from an A to T substitution at nucleotide position 653. The histidine at codon 218 is replaced by leucine, an amino acid with similar properties. This amino acid position is conserved. In addition, this alteration is predicted to be deleterious by in silico analysis. Since supporting evidence is limited at this time, the clinical significance of this alteration remains unclear.

NM_001077653.2(TBX20):c.653A>T (p.His218Leu)

Gene: TBX20 (T-box transcription factor 20; minus strand). Cytogenetic location: 7p14.2.
Variant type: single nucleotide variant.
Coding change: c.653A>T on transcript NM_001077653.2 (MANE Select); coding-DNA position 653, A replaced by T.
Protein change: p.His218Leu; replaces histidine 218 with leucine.
Molecular consequence: missense variant.
Genome position (GRCh38, 1-based): chr7:35,244,950, T>A on the plus strand (A>T on the coding strand, the complement: TBX20 is on the minus strand). VCF-style: chr7-35244950-T-A. GRCh37 (hg19) VCF-style: chr7-35284562-T-A.
Other names: c.653A>T, p.His218Leu (NM_001166220.1); short protein forms H218L.
Identifiers: ClinVar variation 1754096 (VCV001754096.2), dbSNP rs1790151190, ClinGen allele CA367264261.